The following is an entry in ClinVar:

NM_000370.3(TTPA):c.205-1G>C

Gene: TTPA (alpha tocopherol transfer protein; minus strand). Cytogenetic location: 8q12.3.
Variant type: single nucleotide variant.
Coding change: c.205-1G>C on transcript NM_000370.3 (MANE Select); the canonical splice acceptor site of the intron before coding-DNA position 205, G replaced by C.
Molecular consequence: splice acceptor variant. On other transcripts: intron variant (2).
Genome position (GRCh38, 1-based): chr8:63,073,089, C>G on the plus strand (G>C on the coding strand, the complement: TTPA is on the minus strand). VCF-style: chr8-63073089-C-G. GRCh37 (hg19) VCF-style: chr8-63985648-C-G.
Other names: c.205-11664G>C (NM_001413417.1); c.205-8773G>C (NM_001413414.1); c.205-1G>C (NM_001413415.1, NM_001413416.1, NM_001413418.1).
Identifiers: ClinVar variation 370407 (VCV000370407.22), dbSNP rs886040963, ClinGen allele CA16041183.

ClinVar aggregate classification (germline): Pathogenic. Review status: criteria provided, multiple submitters, no conflicts (2 of 4 stars). 4 submissions from 4 submitters: Pathogenic (3). 1 of the submissions does not count toward it. Last evaluated 2024-01-12.

Conditions:
Familial isolated deficiency of vitamin E (AVED). Also called: ATAXIA, FRIEDREICH-LIKE, WITH SELECTIVE VITAMIN E DEFICIENCY; Ataxia with isolated vitamin E deficiency. Identifiers: Orphanet 96, MedGen C1848533, MONDO:0010188, OMIM 277460.

Allele frequency attached by ClinVar (database versions not stated): gnomAD 0.00001; TOPMed 0.00001.
gnomAD v4.1: 5 of 1,606,268 alleles (0.00031%); highest among the groups gnomAD compares: Admixed American, 0.005%; no homozygotes.

Submissions (4):

Labcorp Genetics (formerly Invitae), Labcorp
Classification: Pathogenic. Last evaluated: 2024-01-12. Review status: criteria provided, single submitter. Criteria: Invitae Variant Classification Sherloc (09022015). Collection method: clinical testing. Allele origin: germline.
Comment: This sequence change affects an acceptor splice site in intron 1 of the TTPA gene. It is expected to disrupt RNA splicing. Variants that disrupt the donor or acceptor splice site typically lead to a loss of protein function (PMID: 16199547), and loss-of-function variants in TTPA are known to be pathogenic (PMID: 9463307, 26068213). This variant is present in population databases (no rsID available, gnomAD 0.003%). Disruption of this splice site has been observed in individuals with ataxia with vitamin E deficiency (PMID: 9463307, 24369383). ClinVar contains an entry for this variant (Variation ID: 370407). Algorithms developed to predict the effect of sequence changes on RNA splicing suggest that this variant may disrupt the consensus splice site. For these reasons, this variant has been classified as Pathogenic.

Myriad Genetics, Inc.
Classification: Pathogenic for Familial isolated deficiency of vitamin E. Last evaluated: 2021-11-03. Review status: criteria provided, single submitter. Criteria: Myriad Women's Health Autosomal Recessive and X-Linked Classification Criteria (2021). Collection method: clinical testing. Allele origin: unknown.
Comment: NM_000370.3(TTPA):c.205-1G>C is a canonical splice variant classified as pathogenic in the context of ataxia with vitamin E deficiency. c.205-1G>C has been observed in cases with relevant disease (PMID: 9463307, Esmer_2013_(no PMID; article)). Functional assessments of this variant are not available in the literature. c.205-1G>C has been observed in population frequency databases (gnomAD: AMR 0.003%). In summary, NM_000370.3(TTPA):c.205-1G>C is a canonical splice variant in a gene where loss of function is a known mechanism of disease, is predicted to disrupt protein function, and has been observed more frequently in cases with the relevant disease than in healthy populations. Please note: this variant was assessed in the context of healthy population screening.

Women's Health and Genetics/Laboratory Corporation of America, LabCorp
Classification: Pathogenic for Familial isolated deficiency of vitamin E. Last evaluated: 2019-11-04. Review status: criteria provided, single submitter. Criteria: LabCorp Variant Classification Summary - May 2015. Collection method: clinical testing. Allele origin: germline.
Comment: Variant summary: TTPA c.205-1G>C is located in a canonical splice-site and is predicted to affect mRNA splicing resulting in a significantly altered protein due to either exon skipping, shortening, or inclusion of intronic material. Several computational tools predict a significant impact on normal splicing: Four predict the variant abolishes a 3' acceptor site. However, these predictions have yet to be confirmed by functional studies. Loss of function is considered to be the mechanism of disease in patients with Ataxia with Vitamin E Deficiency (AVED). The variant allele was found at a frequency of 8.1e-06 in 248416 control chromosomes. c.205-1G>C has been reported in the literature in compound heterozygosity in at-least one a well-phenotyped individual of Tunisian descent affected with AVED (example, Cavalier_1998) and has subsequently been cited in other reports (example, Hoshino_1999, Euch-Fayache_2014). To our knowledge, no experimental evidence demonstrating an impact on protein function has been reported. One clinical diagnostic laboratory has submitted clinical-significance assessments for this variant to ClinVar after 2014 without evidence for independent evaluation and classified the variant as likely pathogenic. Based on the evidence outlined above and the well understood correlation of loss of function alleles in the pathophysiology of AVED, the variant was classified as pathogenic.

Natera, Inc.
Classification: Pathogenic for Ataxia with isolated vitamin E deficiency. Last evaluated: 2021-02-23. Review status: no assertion criteria provided. Collection method: clinical testing. Allele origin: germline. Not counted in ClinVar's aggregate classification.

Literature cited by the submitters: PubMed 16199547 (cited by Labcorp Genetics (formerly Invitae), Labcorp); PubMed 9463307 (cited by 3 submitters); PubMed 26068213 (cited by Labcorp Genetics (formerly Invitae), Labcorp); PubMed 24369383 (cited by Labcorp Genetics (formerly Invitae), Labcorp and Women's Health and Genetics/Laboratory Corporation of America, LabCorp); PubMed 10360777 (cited by Women's Health and Genetics/Laboratory Corporation of America, LabCorp).